The following is an entry in ClinVar:

ClinVar aggregate classification (germline): Pathogenic (1 of 4 stars; one submission).

Submission:

Labcorp Genetics (formerly Invitae), Labcorp
Classification: Pathogenic. Last evaluated: 2023-06-05. Review status: criteria provided, single submitter. Criteria: Invitae Variant Classification Sherloc (09022015). Collection method: clinical testing. Allele origin: germline.
Comment: For these reasons, this variant has been classified as Pathogenic. This variant has not been reported in the literature in individuals affected with LAMC2-related conditions. This variant is not present in population databases (gnomAD no frequency). This sequence change creates a premature translational stop signal (p.Glu441*) in the LAMC2 gene. It is expected to result in an absent or disrupted protein product. Loss-of-function variants in LAMC2 are known to be pathogenic (PMID: 11907499, 16473856).

Literature cited by the submitters: PubMed 11907499; PubMed 16473856.

NM_005562.3(LAMC2):c.1321G>T (p.Glu441Ter)

Gene: LAMC2 (laminin subunit gamma 2; plus strand). Cytogenetic location: 1q25.3.
Variant type: single nucleotide variant.
Coding change: c.1321G>T on transcript NM_005562.3 (MANE Select); coding-DNA position 1321, G replaced by T.
Protein change: p.Glu441Ter; replaces glutamic acid 441 with a stop codon.
Molecular consequence: nonsense.
Genome position (GRCh38, 1-based): chr1:183,227,550, G>T. VCF-style: chr1-183227550-G-T. GRCh37 (hg19) VCF-style: chr1-183196685-G-T.
Other names: c.1321G>T, p.Glu441Ter (NM_018891.3); short protein forms E441*.
Identifiers: ClinVar variation 2773290 (VCV002773290.3), dbSNP rs750700066, ClinGen allele CA343687085.